The following is an entry in ClinVar:

ClinVar aggregate classification (germline): Pathogenic (1 of 4 stars; one submission).

Conditions:
Autosomal recessive nonsyndromic hearing loss 9. Also called: NEUROSENSORY NONSYNDROMIC RECESSIVE DEAFNESS 9; OTOF-Related Hearing Loss; AUDITORY NEUROPATHY, AUTOSOMAL RECESSIVE, 1, TEMPERATURE-SENSITIVE; Deafness, autosomal recessive 9. Identifiers: Orphanet 90636, MedGen C1832828, MONDO:0010986, OMIM 601071.

Submission:

Diagnostics Services (NGS), CSIR - Centre For Cellular And Molecular Biology
Classification: Pathogenic for Autosomal recessive nonsyndromic hearing loss 9. Last evaluated: 2020-06-11. Review status: criteria provided, single submitter. Criteria: ACMG Guidelines, 2015. Collection method: clinical testing. Allele origin: germline. Inheritance: Autosomal recessive inheritance. Affected: yes. Observed: 1 homozygote.
Comment: The c.5788G>T (p.Glu1930*) variant is not present in publicly available population databases like 1000 Genomes, Exome Variant Server (EVS), Exome Aggregation Consortium (ExAC), Genome Aggregation Database (gnomAD) and dbSNP. The variant is not present in our in-house exome database. The variant was not reported to ClinVar, Human Genome Mutation Database database (HGMD) and OMIM databases in any affected individuals. In-silico pathogenicity prediction programs likeMutationTaster2, CADD etc. predicted this variant to be likely deleterious. The p.Glu1930* nonsense variant meets our criteria to be classified as pathogenic.

NM_194248.3(OTOF):c.5788G>T (p.Glu1930Ter)

Gene: OTOF (otoferlin; minus strand). Cytogenetic location: 2p23.3.
Variant type: single nucleotide variant.
Coding change: c.5788G>T on transcript NM_194248.3 (MANE Select); coding-DNA position 5788, G replaced by T.
Protein change: p.Glu1930Ter; replaces glutamic acid 1930 with a stop codon.
Molecular consequence: nonsense.
Genome position (GRCh38, 1-based): chr2:26,460,672, C>A on the plus strand (G>T on the coding strand, the complement: OTOF is on the minus strand). VCF-style: chr2-26460672-C-A. GRCh37 (hg19) VCF-style: chr2-26683540-C-A.
Other names: c.5788G>T, p.Glu1930Ter (NM_001287489.2); c.3487G>T, p.Glu1163Ter (NM_004802.4, NM_194323.3); c.3718G>T, p.Glu1240Ter (NM_194322.3); short protein forms E1163*, E1240*, E1930*.
Identifiers: ClinVar variation 977921 (VCV000977921.5), dbSNP rs953404925, ClinGen allele CA346128372.
Genomic context (GRCh38, chr2:26,460,672, plus strand): 5'-AGAGTGGGGAGGGGCTGGGCCGGCAGGGCACTCACTTGGGTTTCTCTAGGGGGTCAGGTT[C>A]ATTGCGGGCCAGGCCCACTGGGTTCTTCTCTGCCTCCTCTGCTGTCAGTAAATGCAGCTC-3'